The following is an entry in ClinVar:

NM_020779.4(WDR35):c.765C>T (p.Tyr255=)

Gene: WDR35 (WD repeat domain 35; minus strand). Cytogenetic location: 2p24.1.
Variant type: single nucleotide variant.
Coding change: c.765C>T on transcript NM_020779.4 (MANE Select); coding-DNA position 765, C replaced by T.
Protein change: p.Tyr255=; no amino-acid change (tyrosine 255 retained).
Molecular consequence: synonymous variant.
Genome position (GRCh38, 1-based): chr2:19,973,680, G>A on the plus strand (C>T on the coding strand, the complement: WDR35 is on the minus strand). VCF-style: chr2-19973680-G-A. GRCh37 (hg19) VCF-style: chr2-20173441-G-A.
Other names: c.765C>T, p.Tyr255= (NM_001006657.2).
Identifiers: ClinVar variation 333403 (VCV000333403.18), dbSNP rs117255034, ClinGen allele CA1543436.
Genomic context (GRCh38, chr2:19,973,680, plus strand): 5'-CTTCTGGAAGCCTGCCACAGCTAACACGCTGCCCATGTGGTTCCACTGGATGCCTACTAC[G>A]TACATGCCAGTGTCAATCAAAACGGGATCTAGTCAGAAAGAGAAAAATGAGGTCACTGTG-3'
Protein context (NP_065830.2, residues 245-265): QNPVLIDTGM[Tyr255=]VVGIQWNHMG

ClinVar aggregate classification (germline): Benign/Likely benign. Review status: criteria provided, multiple submitters, no conflicts (2 of 4 stars). 5 submissions from 4 submitters: Benign (3); Likely benign (2). Last evaluated 2025-10-29.

Conditions:
Cranioectodermal dysplasia 2 (CED2). Identifiers: Orphanet 1515, MedGen C3150874, MONDO:0013323, OMIM 613610.
Connective tissue disorder. Also called: Connective tissue disease. Identifiers: MedGen C0009782, MONDO:0003900.
Short-rib thoracic dysplasia 7 with or without polydactyly (SRTD7). Also called: Short rib polydactyly syndrome 5; SHORT-RIB THORACIC DYSPLASIA 7 WITH POLYDACTYLY. Identifiers: Orphanet 498497, Orphanet 93271, MedGen C3279792, MONDO:0013569, OMIM 614091.

Allele frequency attached by ClinVar (database versions not stated): gnomAD 0.00013 and 0.00067; TOPMed 0.00019; gnomAD exomes 0.00099 and 0.00182; ExAC 0.00212; 1000 Genomes Project 0.00399; 1000 Genomes Project 30x 0.00437.
gnomAD v4.1: 1,560 of 1,614,108 alleles (0.097%); highest among the groups gnomAD compares: South Asian, 1.3%; 13 homozygotes.

Submissions (5):

Labcorp Genetics (formerly Invitae), Labcorp
Classification: Benign for Cranioectodermal dysplasia 2; Short-rib thoracic dysplasia 7 with or without polydactyly. Last evaluated: 2025-10-29. Review status: criteria provided, single submitter. Criteria: Invitae Variant Classification Sherloc (09022015). Collection method: clinical testing. Allele origin: germline.

GeneDx
Classification: Likely benign. Last evaluated: 2021-06-05. Review status: criteria provided, single submitter. Criteria: GeneDx Variant Classification Process June 2021. Collection method: clinical testing. Allele origin: germline. Affected: yes.

Genome Diagnostics Laboratory, The Hospital for Sick Children
Classification: Likely benign for Connective tissue disorder. Last evaluated: 2021-05-21. Review status: criteria provided, single submitter. Criteria: ACMG Guidelines, 2015. Collection method: clinical testing. Allele origin: germline.

Illumina Laboratory Services, Illumina
Classification: Benign for Cranioectodermal dysplasia 2. Last evaluated: 2018-01-12. Review status: criteria provided, single submitter. Criteria: ICSL Variant Classification Criteria 13 December 2019. Collection method: clinical testing. Allele origin: germline.
Comment: This variant was observed in the ICSL laboratory as part of a predisposition screen in an ostensibly healthy population. It had not been previously curated by ICSL or reported in the Human Gene Mutation Database (HGMD: prior to June 1st, 2018), and was therefore a candidate for classification through an automated scoring system. Utilizing variant allele frequency, disease prevalence and penetrance estimates, and inheritance mode, an automated score was calculated to assess if this variant is too frequent to cause the disease. Based on the score and internal cut-off values, a variant classified as benign is not then subjected to further curation. The score for this variant resulted in a classification of benign for this disease.

Illumina Laboratory Services, Illumina
Classification: Benign for Short-rib thoracic dysplasia 7 with or without polydactyly. Last evaluated: 2018-01-12. Review status: criteria provided, single submitter. Criteria: ICSL Variant Classification Criteria 13 December 2019. Collection method: clinical testing. Allele origin: germline.
Comment: the same text as in the submission from Illumina Laboratory Services, Illumina above.